The following is an entry in ClinVar:

ClinVar aggregate classification (germline): Uncertain significance (1 of 4 stars; one submission).

Conditions:
Ellis-van Creveld syndrome (EVC). Also called: MESOECTODERMAL DYSPLASIA; Chondroectodermal dysplasia; EVC-Related Ellis-van Creveld Syndrome; EVC2-Related Ellis-van Creveld Syndrome. Identifiers: Orphanet 289, MedGen C0013903, MONDO:0009162, OMIM 225500.
Curry-Hall syndrome (WAD). Also called: WEYERS ACRODENTAL DYSOSTOSIS. Identifiers: Orphanet 952, MedGen C0457013, MONDO:0008673, OMIM 193530.

Allele frequency attached by ClinVar (database versions not stated): gnomAD 0.00001; TOPMed 0.00002.
gnomAD v4.1: 2 of 1,613,772 alleles (0.00012%); highest among the groups gnomAD compares: African/African-American, 0.0027%; no homozygotes.

Submission:

Labcorp Genetics (formerly Invitae), Labcorp
Classification: Uncertain significance for Curry-Hall syndrome; Ellis-van Creveld syndrome. Last evaluated: 2022-02-06. Review status: criteria provided, single submitter. Criteria: Invitae Variant Classification Sherloc (09022015). Collection method: clinical testing. Allele origin: germline.
Comment: This sequence change replaces arginine, which is basic and polar, with glycine, which is neutral and non-polar, at codon 796 of the EVC2 protein (p.Arg796Gly). This variant is present in population databases (no rsID available, gnomAD 0.01%). This variant has not been reported in the literature in individuals affected with EVC2-related conditions. Algorithms developed to predict the effect of missense changes on protein structure and function (SIFT, PolyPhen-2, Align-GVGD) all suggest that this variant is likely to be disruptive. In summary, the available evidence is currently insufficient to determine the role of this variant in disease. Therefore, it has been classified as a Variant of Uncertain Significance.

NM_147127.5(EVC2):c.2386A>G (p.Arg796Gly)

Gene: EVC2 (EvC ciliary complex subunit 2; minus strand). Cytogenetic location: 4p16.2.
Variant type: single nucleotide variant.
Coding change: c.2386A>G on transcript NM_147127.5 (MANE Select); coding-DNA position 2386, A replaced by G.
Protein change: p.Arg796Gly; replaces arginine 796 with glycine.
Molecular consequence: missense variant.
Genome position (GRCh38, 1-based): chr4:5,622,652, T>C on the plus strand (A>G on the coding strand, the complement: EVC2 is on the minus strand). VCF-style: chr4-5622652-T-C. GRCh37 (hg19) VCF-style: chr4-5624379-T-C.
Other names: c.2146A>G, p.Arg716Gly (NM_001166136.2); short protein forms R716G, R796G.
Identifiers: ClinVar variation 2157491 (VCV002157491.1), dbSNP rs1457552316, ClinGen allele CA356144549.